The following is an entry in ClinVar:

ClinVar aggregate classification (germline): Uncertain significance (1 of 4 stars; one submission).

Conditions:
Hereditary cancer-predisposing syndrome. Also called: Neoplastic Syndromes, Hereditary; Tumor predisposition; Hereditary Cancer Syndrome; Hereditary neoplastic syndrome. Identifiers: Orphanet 140162, MedGen C0027672, MeSH D009386, MONDO:0015356.

Submission:

Ambry Genetics
Classification: Uncertain significance for Hereditary cancer-predisposing syndrome. Last evaluated: 2026-01-16. Review status: criteria provided, single submitter. Criteria: Ambry Variant Classification Scheme 2023. Collection method: clinical testing. Allele origin: germline.
Comment: The c.1242+1G>T intronic variant results from a G to T substitution one nucleotide after coding exon 9 of the POLD1 gene. This nucleotide position is highly conserved in available vertebrate species. In silico splice site analysis predicts that this alteration will weaken the native splice donor site and will result in the creation or strengthening of a novel splice donor site. Alterations that disrupt the canonical splice site are expected to cause aberrant splicing, resulting in an abnormal protein or a transcript that is subject to nonsense-mediated mRNA decay. However, loss of function of POLD1 has not been established as a mechanism of disease. Based on the available evidence, the clinical significance of this alteration remains unclear.

NM_002691.4(POLD1):c.1242+1G>T

Gene: POLD1 (DNA polymerase delta 1, catalytic subunit; plus strand). Cytogenetic location: 19q13.33.
Variant type: single nucleotide variant.
Coding change: c.1242+1G>T on transcript NM_002691.4 (MANE Select); the canonical splice donor site of the intron after coding-DNA position 1242, G replaced by T.
Molecular consequence: splice donor variant.
Genome position (GRCh38, 1-based): chr19:50,403,598, G>T. VCF-style: chr19-50403598-G-T. GRCh37 (hg19) VCF-style: chr19-50906855-G-T.
Other names: c.1242+1G>T (NM_001256849.1, NM_001438212.1, NM_001438213.1 and 3 more transcripts).
Identifiers: ClinVar variation 4841601 (VCV004841601.1).
Genomic context (GRCh38, chr19:50,403,598, plus strand): 5'-GGTTACAACATCCAGAACTTCGACCTTCCGTACCTCATCTCTCGGGCCCAGACCCTCAAG[G>T]TGAGGGCTGGGCAGGTGGGAGGCTTCTCTCAGATGCCCCAGGTGTGGCCTCCGGGCCCTG-3'